The following is an entry in ClinVar:

ClinVar aggregate classification (germline): Benign. Review status: criteria provided, multiple submitters, no conflicts (2 of 4 stars). 6 submissions from 6 submitters: Benign (6). Last evaluated 2026-01-27.

Allele frequency attached by ClinVar (database versions not stated): gnomAD exomes 0.00151 and 0.00310; ExAC 0.00353; gnomAD 0.01542 and 0.01656; 1000 Genomes Project 0.01558; 1000 Genomes Project 30x 0.01733; TOPMed 0.01785.
gnomAD v4.1: 4,523 of 1,549,290 alleles (0.29%); highest among the groups gnomAD compares: African/African-American, 5.3%; 114 homozygotes.

Submissions (6):

Labcorp Genetics (formerly Invitae), Labcorp
Classification: Benign. Last evaluated: 2026-01-27. Review status: criteria provided, single submitter. Criteria: Invitae Variant Classification Sherloc (09022015). Collection method: clinical testing. Allele origin: germline.

Mayo Clinic Laboratories, Mayo Clinic
Classification: Benign. Last evaluated: 2022-04-17. Review status: criteria provided, single submitter. Criteria: ACMG Guidelines, 2015. Collection method: clinical testing. Allele origin: germline. Observed: 1 variant allele.

Athena Diagnostics
Classification: Benign. Last evaluated: 2018-05-23. Review status: criteria provided, single submitter. Criteria: Athena Diagnostics Criteria. Collection method: clinical testing. Allele origin: germline.

GeneDx
Classification: Benign. Last evaluated: 2017-10-05. Review status: criteria provided, single submitter. Criteria: GeneDx Variant Classification (06012015). Collection method: clinical testing. Allele origin: germline. Affected: yes.
Comment: This variant is considered likely benign or benign based on one or more of the following criteria: it is a conservative change, it occurs at a poorly conserved position in the protein, it is predicted to be benign by multiple in silico algorithms, and/or has population frequency not consistent with disease.

Laboratory for Molecular Medicine, Mass General Brigham Personalized Medicine
Classification: Benign. Last evaluated: 2014-11-24. Review status: criteria provided, single submitter. Criteria: LMM Criteria. Collection method: clinical testing. Allele origin: germline. Observed: 7 variant alleles.
Comment: Gly2456Ser in exon 43 of OTOG: This variant is not expected to have clinical sig nificance because it has been identified in 9.7% (17/176) of Yoruba (Nigerian) c hromosomes from a broad population by the 1000 Genomes Project (.; dbSNP rs61745322).

Breakthrough Genomics
Classification: Benign. Review status: criteria provided, single submitter. Criteria: ACMG Guidelines, 2015. Collection method: not provided. Allele origin: germline. Inheritance: Autosomal recessive inheritance. Affected: yes.

NM_001292063.2(OTOG):c.7330G>A (p.Gly2444Ser)

Gene: OTOG (otogelin; plus strand). Cytogenetic location: 11p15.1.
Variant type: single nucleotide variant.
Coding change: c.7330G>A on transcript NM_001292063.2 (MANE Select); coding-DNA position 7330, G replaced by A.
Protein change: p.Gly2444Ser; replaces glycine 2444 with serine.
Molecular consequence: missense variant.
Genome position (GRCh38, 1-based): chr11:17,634,131, G>A. VCF-style: chr11-17634131-G-A. GRCh37 (hg19) VCF-style: chr11-17655678-G-A.
Other names: c.7366G>A, p.Gly2456Ser (NM_001277269.2); short protein forms G2456S, G2444S.
Identifiers: ClinVar variation 226907 (VCV000226907.19), dbSNP rs61745322, ClinGen allele CA5906123.